The following is an entry in ClinVar:

ClinVar aggregate classification (germline): Pathogenic/Likely pathogenic. Review status: criteria provided, multiple submitters, no conflicts (2 of 4 stars). 2 submissions from 2 submitters: Pathogenic (1); Likely pathogenic (1). Last evaluated 2023-08-11.

Conditions:
Familial thoracic aortic aneurysm and aortic dissection (TAAD). Also called: Thoracic aortic aneurysms and dissections. Identifiers: Orphanet 91387, MedGen C4707243, MONDO:0019625.
Marfan syndrome (MFS). Also called: Marfan syndrome, classic; Marfan syndrome type 1; Marfan's syndrome; FBN1-Related Marfan Syndrome; MARFAN SYNDROME, TYPE I. Identifiers: Orphanet 284963, Orphanet 558, MedGen C0024796, MONDO:0007947, OMIM 154700.

Submissions (2):

Labcorp Genetics (formerly Invitae), Labcorp
Classification: Pathogenic for Marfan syndrome; Familial thoracic aortic aneurysm and aortic dissection. Last evaluated: 2023-08-11. Review status: criteria provided, single submitter. Criteria: Invitae Variant Classification Sherloc (09022015). Collection method: clinical testing. Allele origin: germline.
Comment: Advanced modeling of protein sequence and biophysical properties (such as structural, functional, and spatial information, amino acid conservation, physicochemical variation, residue mobility, and thermodynamic stability) performed at Invitae indicates that this missense variant is expected to disrupt FBN1 protein function. For these reasons, this variant has been classified as Pathogenic. This variant affects a cysteine residue in the EGF-like, TGFBP or hybrid motif domains of FBN1. Cysteine residues are believed to be involved in intramolecular disulfide bridges and have been shown to be important for FBN1 protein structure (PMID: 16905551, 19349279). In addition, missense substitutions affecting cysteine residues within these domains are significantly overrepresented among patients with Marfan syndrome (PMID: 16571647, 17701892). ClinVar contains an entry for this variant (Variation ID: 934403). This variant is not present in population databases (gnomAD no frequency). This sequence change replaces cysteine, which is neutral and slightly polar, with arginine, which is basic and polar, at codon 1928 of the FBN1 protein (p.Cys1928Arg). This missense change has been observed in individuals with Marfan syndrome (PMID: 7611299, 25101912; Invitae).

Equipe Genetique des Anomalies du Developpement, Université de Bourgogne
Classification: Likely pathogenic for Marfan syndrome. Last evaluated: 2023-06-30. Review status: criteria provided, single submitter. Criteria: ACMG Guidelines, 2015. Collection method: clinical testing. Allele origin: unknown. Inheritance: Autosomal dominant inheritance. Affected: yes.

Literature cited by the submitters: PubMed 16905551 (cited by Labcorp Genetics (formerly Invitae), Labcorp); PubMed 19349279 (cited by Labcorp Genetics (formerly Invitae), Labcorp); PubMed 16571647 (cited by Labcorp Genetics (formerly Invitae), Labcorp); PubMed 17701892 (cited by Labcorp Genetics (formerly Invitae), Labcorp); PubMed 7611299 (cited by Labcorp Genetics (formerly Invitae), Labcorp); PubMed 25101912 (cited by Labcorp Genetics (formerly Invitae), Labcorp).

NM_000138.5(FBN1):c.5782T>C (p.Cys1928Arg)

Gene: FBN1 (fibrillin 1; minus strand). Cytogenetic location: 15q21.1.
Variant type: single nucleotide variant.
Coding change: c.5782T>C on transcript NM_000138.5 (MANE Select); coding-DNA position 5782, T replaced by C.
Protein change: p.Cys1928Arg; replaces cysteine 1928 with arginine.
Molecular consequence: missense variant.
Genome position (GRCh38, 1-based): chr15:48,446,712, A>G on the plus strand (T>C on the coding strand, the complement: FBN1 is on the minus strand). VCF-style: chr15-48446712-A-G. GRCh37 (hg19) VCF-style: chr15-48738909-A-G.
Other names: short protein forms C1928R.
Identifiers: ClinVar variation 934403 (VCV000934403.10), dbSNP rs2043162224, ClinGen allele CA16602236.
Genomic context (GRCh38, chr15:48,446,712, plus strand): 5'-AAGAACACATATAAAACTGACTTCCTTTGCTGATGCACAATTTTGCACACGCACCTATAC[A>G]GTCATTGTTGTGAGAAAGGATGAAACCATGATTGCAGCGGCAGTTGAAGGAACCAATTGT-3'
Protein context (NP_000129.3, residues 1918-1938): HGFILSHNND[Cys1928Arg]IDVDECASGN